The following is an entry in ClinVar:

NM_058216.3(RAD51C):c.158_160delinsTT (p.Ser53fs)

Gene: RAD51C (RAD51 paralog C; plus strand). Cytogenetic location: 17q22.
Variant type: Indel.
Coding change: c.158_160delinsTT on transcript NM_058216.3 (MANE Select); coding-DNA positions 158 to 160, CTA replaced by TT.
Protein change: p.Ser53fs; shifts the reading frame from serine 53.
Molecular consequence: frameshift variant. On other transcripts: non-coding transcript variant (2).
Genome position (GRCh38, 1-based): chr17:58,694,943-58,694,945, CTA replaced by TT. VCF-style: chr17-58694943-CTA-TT. GRCh37 (hg19) VCF-style: chr17-56772304-CTA-TT.
Other names: c.158_160delinsTT, p.Ser53fs (NM_002876.4); short protein forms S53fs.
Identifiers: ClinVar variation 919784 (VCV000919784.9), dbSNP rs2047940629, ClinGen allele CA913188870.
Genomic context (GRCh38, chr17:58,694,943, plus strand): 5'-TTTTAAATCTCTAAAATTAGGGTTCTTTTTTTCTTATTTTACTTTCAGAAGTTGGGATAT[CTA>TT]AAGCAGAAGCCTTAGAAACTCTGCAAATTATCAGAAGAGAATGTCTCACAAATAAACCAA-3'

ClinVar aggregate classification (germline): Pathogenic. Review status: criteria provided, multiple submitters, no conflicts (2 of 4 stars). 7 submissions from 7 submitters: Pathogenic (6). 1 of the submissions does not count toward it. Last evaluated 2026-05-01.

Conditions:
Hereditary cancer-predisposing syndrome. Also called: Neoplastic Syndromes, Hereditary; Hereditary neoplastic syndrome; Hereditary Cancer Syndrome; Tumor predisposition. Identifiers: Orphanet 140162, MedGen C0027672, MeSH D009386, MONDO:0015356.
Breast-ovarian cancer, familial, susceptibility to, 3. Also called: RAD51C-Related Breast/Ovarian Cancer. Identifiers: Orphanet 145, MedGen C3150659, MONDO:0013253, OMIM 613399.
Fanconi anemia complementation group O. Also called: RAD51C-Related Fanconi Anemia. Identifiers: Orphanet 84, MedGen C3150653, MONDO:0013248, OMIM 613390.
RAD51C-related disorder. Also called: RAD51C-related disorders; RAD51C-related condition.
RAD51C-related cancer predisposition. Identifiers: MedGen CN377762, MONDO:0700273.

Submissions (7):

Victorian Clinical Genetics Services, Murdoch Childrens Research Institute
Classification: Pathogenic for RAD51C-related cancer predisposition. Last evaluated: 2026-05-01. Review status: criteria provided, single submitter. Criteria: ACMG Guidelines, 2015. Collection method: clinical testing. Allele origin: germline.
Comment: This variant is classified as Pathogenic. Evidence in support of pathogenic classification: Variant is predicted to cause nonsense-mediated decay (NMD) and loss of protein (premature termination codon is located at least 54 nucleotides upstream of the final exon-exon junction); Variant is present in gnomAD <0.01 (v4: 6 heterozygote(s), 0 homozygote(s)); This variant has strong previous evidence of pathogenicity in unrelated individuals. This variant has been classified as pathogenic by multiple clinical laboratories (ClinVar); Other NMD-predicted variants comparable to the one identified in this case have very strong previous evidence for pathogenicity (DECIPHER). Additional information: This variant is heterozygous; This gene is associated with both recessive and dominant disease. Fanconi anaemia, complementation group O (MIM#613390) is associated with autosomal recessive inheritance, while RAD51C-related cancer predisposition (MONDO:0700273) is associated with autosomal dominant inheritance (ClinGen); Loss of function is a known mechanism of disease in this gene and is associated with fanconi anaemia, complementation group O (MIM#613390), and RAD51C-related cancer predisposition (MONDO:0700273).

Labcorp Genetics (formerly Invitae), Labcorp
Classification: Pathogenic for Fanconi anemia complementation group O. Last evaluated: 2024-03-14. Review status: criteria provided, single submitter. Criteria: Invitae Variant Classification Sherloc (09022015). Collection method: clinical testing. Allele origin: germline.
Comment: This sequence change creates a premature translational stop signal (p.Ser53Phefs*6) in the RAD51C gene. It is expected to result in an absent or disrupted protein product. Loss-of-function variants in RAD51C are known to be pathogenic (PMID: 20400964, 21990120, 24800917, 29278735). Information on the frequency of this variant in the gnomAD database is not available, as this variant may be reported differently in the database. This premature translational stop signal has been observed in individual(s) with RAD51C-related conditions (PMID: 32107557). ClinVar contains an entry for this variant (Variation ID: 142544). For these reasons, this variant has been classified as Pathogenic.

Myriad Genetics, Inc.
Classification: Pathogenic for Breast-ovarian cancer, familial, susceptibility to, 3. Last evaluated: 2024-01-02. Review status: criteria provided, single submitter. Criteria: Myriad Autosomal Dominant, Autosomal Recessive and X-Linked Classification Criteria (2023). Collection method: clinical testing. Allele origin: unknown.
Comment: This variant is considered pathogenic. This variant creates a frameshift predicted to result in premature protein truncation.

Department of Pathology and Laboratory Medicine, Sinai Health System
Classification: Pathogenic for Fanconi anemia complementation group O; Breast-ovarian cancer, familial, susceptibility to, 3. Last evaluated: 2020-12-16. Review status: criteria provided, single submitter. Criteria: ACMG Guidelines, 2015. Collection method: clinical testing. Allele origin: germline. Affected: no.

Color Diagnostics, LLC DBA Color Health
Classification: Pathogenic for Hereditary cancer-predisposing syndrome. Last evaluated: 2020-01-15. Review status: criteria provided, single submitter. Criteria: ACMG Guidelines, 2015. Collection method: clinical testing. Allele origin: germline.
Comment: This variant is located in the RAD51C protein. Splice site prediction tools suggest that this variant may not impact RNA splicing. This variant has not been identified in the general population by the Genome Aggregation Database (gnomAD). Loss of RAD51C function is a known mechanism of disease. Based on the available evidence, this variant is classified as Pathogenic.

Ambry Genetics
Classification: Pathogenic for Hereditary cancer-predisposing syndrome. Last evaluated: 2015-02-03. Review status: criteria provided, single submitter. Criteria: Ambry Variant Classification Scheme 2023. Collection method: clinical testing. Allele origin: germline.
Comment: The c.158_160delCTAinsTT pathogenic mutation, located in coding exon 2 of the RAD51C gene, results from the deletion of 3 nucleotides and insertion of two nucleotides causing a translational frameshift with a predicted alternate stop codon. This alteration is expected to result in loss of function by premature protein truncation or nonsense-mediated mRNA decay. As such, this alteration is interpreted as a disease-causing mutation.

PreventionGenetics, part of Exact Sciences
Classification: Pathogenic for RAD51C-related condition. Last evaluated: 2024-06-13. Review status: no assertion criteria provided. Collection method: clinical testing. Allele origin: germline. Not counted in ClinVar's aggregate classification.
Comment: The RAD51C c.158_160delinsTT variant is predicted to result in a frameshift and premature protein termination (p.Ser53Phefs*6). This variant was reported in an individual with breast and/or ovarian cancer (Yang et al. 2020. PubMed ID: 32107557). This variant has not been reported in a large population database, indicating this variant is rare. This variant is interpreted as pathogenic by multiple submitters in ClinVar. Frameshift variants in RAD51C are expected to be pathogenic. This variant is interpreted as pathogenic.

Literature cited by the submitters: PubMed 20400964 (cited by Labcorp Genetics (formerly Invitae), Labcorp); PubMed 21990120 (cited by Labcorp Genetics (formerly Invitae), Labcorp); PubMed 24800917 (cited by Labcorp Genetics (formerly Invitae), Labcorp); PubMed 29278735 (cited by Labcorp Genetics (formerly Invitae), Labcorp); PubMed 32107557 (cited by Labcorp Genetics (formerly Invitae), Labcorp).